The following is an entry in ClinVar:

NM_000222.3(KIT):c.1206C>T (p.Ala402=)

Gene: KIT (KIT proto-oncogene, receptor tyrosine kinase; plus strand). Cytogenetic location: 4q12.
Variant type: single nucleotide variant.
Coding change: c.1206C>T on transcript NM_000222.3 (MANE Select); coding-DNA position 1206, C replaced by T.
Protein change: p.Ala402=; no amino-acid change (alanine 402 retained).
Molecular consequence: synonymous variant.
Genome position (GRCh38, 1-based): chr4:54,709,514, C>T. VCF-style: chr4-54709514-C-T. GRCh37 (hg19) VCF-style: chr4-55575680-C-T.
Other names: c.1206C>T, p.Ala402= (NM_001093772.2, NM_001385285.1, NM_001385286.1); c.1209C>T, p.Ala403= (NM_001385284.1, NM_001385288.1, NM_001385290.1 and 1 more transcripts).
Identifiers: ClinVar variation 528681 (VCV000528681.16), dbSNP rs747686609, ClinGen allele CA2923408.

ClinVar aggregate classification (germline): Benign/Likely benign. Review status: criteria provided, multiple submitters, no conflicts (2 of 4 stars). 4 submissions from 4 submitters: Benign (1); Likely benign (3). Last evaluated 2026-06-03.

Conditions:
Hereditary cancer-predisposing syndrome. Also called: Hereditary neoplastic syndrome; Hereditary Cancer Syndrome; Neoplastic Syndromes, Hereditary; Tumor predisposition. Identifiers: Orphanet 140162, MedGen C0027672, MeSH D009386, MONDO:0015356.
KIT-related disorder. Also called: KIT-related condition.
Gastrointestinal stromal tumor. Also called: Gastrointestinal stroma tumor; Gastrointestinal stromal tumor, somatic. Identifiers: Orphanet 44890, MedGen C0238198, MeSH D046152, MONDO:0011719, OMIM 606764, HP:0100723.

Allele frequency attached by ClinVar (database versions not stated): ExAC 0.00001; gnomAD 0.00001; gnomAD exomes 0.00001; TOPMed 0.00001.
gnomAD v4.1: 14 of 1,605,122 alleles (0.00087%); highest among the groups gnomAD compares: Non-Finnish European, 0.0011%; no homozygotes.

Submissions (4):

Myriad Genetics, Inc.
Classification: Benign for Gastrointestinal stromal tumor. Last evaluated: 2026-06-03. Review status: criteria provided, single submitter. Criteria: Myriad Autosomal Dominant, Autosomal Recessive and X-Linked Classification Criteria (2023). Collection method: clinical testing. Allele origin: unknown.
Comment: This variant is considered benign. This variant is a silent/synonymous amino acid change and it is not expected to impact splicing.

PreventionGenetics, part of Exact Sciences
Classification: Likely benign for KIT-related condition. Last evaluated: 2026-01-22. Review status: criteria provided, single submitter. Criteria: ACMG Guidelines, 2015. Collection method: clinical testing. Allele origin: germline.
Comment: This variant is classified as likely benign based on ACMG/AMP sequence variant interpretation guidelines (Richards et al. 2015 PMID: 25741868, with internal and published modifications).

Labcorp Genetics (formerly Invitae), Labcorp
Classification: Likely benign for Gastrointestinal stromal tumor. Last evaluated: 2025-09-08. Review status: criteria provided, single submitter. Criteria: Invitae Variant Classification Sherloc (09022015). Collection method: clinical testing. Allele origin: germline.

Ambry Genetics
Classification: Likely benign for Hereditary cancer-predisposing syndrome. Last evaluated: 2020-04-28. Review status: criteria provided, single submitter. Criteria: Ambry Variant Classification Scheme 2023. Collection method: clinical testing. Allele origin: germline.